The following is an entry in ClinVar:

NM_031885.5(BBS2):c.962C>A (p.Thr321Lys)

Gene: BBS2 (Bardet-Biedl syndrome 2; minus strand). Cytogenetic location: 16q13.
Variant type: single nucleotide variant.
Coding change: c.962C>A on transcript NM_031885.5 (MANE Select); coding-DNA position 962, C replaced by A.
Protein change: p.Thr321Lys; replaces threonine 321 with lysine.
Molecular consequence: missense variant. On other transcripts: non-coding transcript variant (5).
Genome position (GRCh38, 1-based): chr16:56,502,435, G>T on the plus strand (C>A on the coding strand, the complement: BBS2 is on the minus strand). VCF-style: chr16-56502435-G-T. GRCh37 (hg19) VCF-style: chr16-56536347-G-T.
Other names: c.962C>A, p.Thr321Lys (NM_001377456.1); c.962C>A (NM_031885.3); short protein forms T321K.
Identifiers: ClinVar variation 1037163 (VCV001037163.11), dbSNP rs758548498, ClinGen allele CA395980811.
Genomic context (GRCh38, chr16:56,502,435, plus strand): 5'-AGCTCTCGGATCAGGTCCTGCTCTGCACTGGTGTCCATGAGGTTGCCCCTCATCTCAGCC[G>T]TGCCAGGCAGGTAGCCCCGGACTGAACAGAAGGAAAAAACCGCAAGTATAACCAGGTATA-3'
Protein context (NP_114091.4, residues 311-331): DGEIRGYLPG[Thr321Lys]AEMRGNLMDT

ClinVar aggregate classification (germline): Uncertain significance. Review status: criteria provided, multiple submitters, no conflicts (2 of 4 stars). 4 submissions from 4 submitters: Uncertain significance (3). 1 of the submissions does not count toward it. Last evaluated 2025-10-01.

Conditions:
Bardet-Biedl syndrome 2 (BBS2). Identifiers: Orphanet 110, MedGen C2936863, MONDO:0014432, OMIM 615981.
Bardet-Biedl syndrome (BBS). Identifiers: Orphanet 110, MedGen C0752166, MONDO:0015229.
Retinitis pigmentosa 74 (RP74). Identifiers: Orphanet 791, MedGen C4225281, MONDO:0014692, OMIM 616562.
Inborn genetic diseases. Identifiers: MedGen C0950123, MeSH D030342.

Allele frequency attached by ClinVar (database versions not stated): TOPMed 0.00001.

Submissions (4):

Ambry Genetics
Classification: Uncertain significance for Inborn genetic diseases. Last evaluated: 2025-10-01. Review status: criteria provided, single submitter. Criteria: Ambry Variant Classification Scheme 2023. Collection method: clinical testing. Allele origin: germline.

Fulgent Genetics
Classification: Uncertain significance for Bardet-Biedl syndrome 2; Retinitis pigmentosa 74. Last evaluated: 2024-06-09. Review status: criteria provided, single submitter. Criteria: ACMG Guidelines, 2015. Collection method: clinical testing. Allele origin: germline.

Labcorp Genetics (formerly Invitae), Labcorp
Classification: Uncertain significance for Bardet-Biedl syndrome. Last evaluated: 2020-03-14. Review status: criteria provided, single submitter. Criteria: Invitae Variant Classification Sherloc (09022015). Collection method: clinical testing. Allele origin: germline.
Comment: This sequence change replaces threonine with lysine at codon 321 of the BBS2 protein (p.Thr321Lys). The threonine residue is moderately conserved and there is a moderate physicochemical difference between threonine and lysine. This variant is not present in population databases (ExAC no frequency). This variant has not been reported in the literature in individuals with BBS2-related conditions. Algorithms developed to predict the effect of missense changes on protein structure and function (SIFT, PolyPhen-2, Align-GVGD) all suggest that this variant is likely to be tolerated, but these predictions have not been confirmed by published functional studies and their clinical significance is uncertain. In summary, the available evidence is currently insufficient to determine the role of this variant in disease. Therefore, it has been classified as a Variant of Uncertain Significance.

Natera, Inc.
Classification: Uncertain significance for Bardet-Biedl syndrome type 2. Last evaluated: 2020-09-27. Review status: no assertion criteria provided. Collection method: clinical testing. Allele origin: germline. Not counted in ClinVar's aggregate classification.